The following is an entry in ClinVar:

ClinVar aggregate classification (germline): Uncertain significance (1 of 4 stars; one submission).

gnomAD v4.1: 4 of 1,614,228 alleles (0.00025%); highest among the groups gnomAD compares: Non-Finnish European, 0.00025%; no homozygotes.

Submission:

CeGaT Center for Human Genetics Tuebingen
Classification: Uncertain significance. Last evaluated: 2026-03-01. Review status: criteria provided, single submitter. Criteria: CeGaT Center For Human Genetics Tuebingen Variant Classification Criteria Version 2. Collection method: clinical testing. Allele origin: germline. Affected: yes. Observed: 1 variant allele.
Comment: TGFB3: PM2:Supporting, PP3

NM_003239.5(TGFB3):c.298T>C (p.Tyr100His)

Gene: TGFB3 (transforming growth factor beta 3; minus strand). Cytogenetic location: 14q24.3.
Variant type: single nucleotide variant.
Coding change: c.298T>C on transcript NM_003239.5 (MANE Select); coding-DNA position 298, T replaced by C.
Protein change: p.Tyr100His; replaces tyrosine 100 with histidine.
Molecular consequence: missense variant.
Genome position (GRCh38, 1-based): chr14:75,980,596, A>G on the plus strand (T>C on the coding strand, the complement: TGFB3 is on the minus strand). VCF-style: chr14-75980596-A-G. GRCh37 (hg19) VCF-style: chr14-76446939-A-G.
Other names: c.298T>C, p.Tyr100His (NM_001329938.2, NM_001329939.2); short protein forms Y100H.
Identifiers: ClinVar variation 4823737 (VCV004823737.4).